The following is an entry in ClinVar:

NM_007046.4(EMILIN1):c.875G>A (p.Arg292Gln)

Gene: EMILIN1 (elastin microfibril interfacer 1; plus strand). Cytogenetic location: 2p23.3.
Variant type: single nucleotide variant.
Coding change: c.875G>A on transcript NM_007046.4 (MANE Select); coding-DNA position 875, G replaced by A.
Protein change: p.Arg292Gln; replaces arginine 292 with glutamine.
Molecular consequence: missense variant.
Genome position (GRCh38, 1-based): chr2:27,082,446, G>A. VCF-style: chr2-27082446-G-A. GRCh37 (hg19) VCF-style: chr2-27305314-G-A.
Other names: short protein forms R292Q.
Identifiers: ClinVar variation 3275285 (VCV003275285.7).

ClinVar aggregate classification (germline): Conflicting classifications of pathogenicity. Review status: criteria provided, conflicting classifications (1 of 4 stars). 2 submissions from 2 submitters: Uncertain significance (1); Likely benign (1). Last evaluated 2025-11-01.

Conditions:
Inborn genetic diseases. Identifiers: MedGen C0950123, MeSH D030342.

gnomAD v4.1: 782 of 1,583,876 alleles (0.049%); highest among the groups gnomAD compares: African/African-American, 0.91%; 5 homozygotes.

Submissions (2):

CeGaT Center for Human Genetics Tuebingen
Classification: Likely benign. Last evaluated: 2025-11-01. Review status: criteria provided, single submitter. Criteria: CeGaT Center For Human Genetics Tuebingen Variant Classification Criteria Version 2. Collection method: clinical testing. Allele origin: germline. Affected: yes. Observed: 1 variant allele.
Comment: EMILIN1: BP4, BS1

Ambry Genetics
Classification: Uncertain significance for Inborn genetic diseases. Last evaluated: 2024-03-18. Review status: criteria provided, single submitter. Criteria: Ambry Variant Classification Scheme 2023. Collection method: clinical testing. Allele origin: germline.